The following is an entry in ClinVar:

ClinVar aggregate classification (germline): Uncertain significance (1 of 4 stars; one submission).

Submission:

Ambry Genetics
Classification: Uncertain significance. Last evaluated: 2023-03-26. Review status: criteria provided, single submitter. Criteria: Ambry Variant Classification Scheme 2023. Collection method: clinical testing. Allele origin: germline.
Comment: The p.S1373R variant (also known as c.4119T>A), located in coding exon 4 of the ALPK2 gene, results from a T to A substitution at nucleotide position 4119. The serine at codon 1373 is replaced by arginine, an amino acid with dissimilar properties. This amino acid position is conserved. In addition, this alteration is predicted to be tolerated by in silico analysis. Since supporting evidence is limited at this time, the clinical significance of this alteration remains unclear.

NM_052947.4(ALPK2):c.4119T>A (p.Ser1373Arg)

Genes: ALPK2 (alpha kinase 2; minus strand), LOC126862764 (BRD4-independent group 4 enhancer GRCh37_chr18:56202574-56203773; plus strand). Cytogenetic location: 18q21.31.
Variant type: single nucleotide variant.
Coding change: c.4119T>A on transcript NM_052947.4 (MANE Select); coding-DNA position 4119, T replaced by A.
Protein change: p.Ser1373Arg; replaces serine 1373 with arginine.
Molecular consequence: missense variant.
Genome position (GRCh38, 1-based): chr18:58,536,068, A>T on the plus strand (T>A on the coding strand, the complement: ALPK2 is on the minus strand). VCF-style: chr18-58536068-A-T. GRCh37 (hg19) VCF-style: chr18-56203300-A-T.
Other names: short protein forms S1373R.
Identifiers: ClinVar variation 2560602 (VCV002560602.2), dbSNP rs2518875416, ClinGen allele CA402564225.